The following is an entry in ClinVar:

ClinVar aggregate classification (germline): Uncertain significance (1 of 4 stars; one submission).

Allele frequency attached by ClinVar (database versions not stated): gnomAD exomes below 0.00001; TOPMed below 0.00001.
gnomAD v4.1: 1 of 1,614,062 alleles (0.000062%); highest among the groups gnomAD compares: Non-Finnish European, 0.000085%; no homozygotes.

Submission:

Labcorp Genetics (formerly Invitae), Labcorp
Classification: Uncertain significance. Last evaluated: 2022-04-13. Review status: criteria provided, single submitter. Criteria: Invitae Variant Classification Sherloc (09022015). Collection method: clinical testing. Allele origin: germline.
Comment: In summary, the available evidence is currently insufficient to determine the role of this variant in disease. Therefore, it has been classified as a Variant of Uncertain Significance. Algorithms developed to predict the effect of missense changes on protein structure and function output the following: SIFT: "Tolerated"; PolyPhen-2: "Benign"; Align-GVGD: "Class C0". The serine amino acid residue is found in multiple mammalian species, which suggests that this missense change does not adversely affect protein function. This variant has not been reported in the literature in individuals affected with VCAN-related conditions. This variant is not present in population databases (gnomAD no frequency). This sequence change replaces threonine, which is neutral and polar, with serine, which is neutral and polar, at codon 2339 of the VCAN protein (p.Thr2339Ser).

NM_004385.5(VCAN):c.7016C>G (p.Thr2339Ser)

Genes: VCAN (versican; plus strand), VCAN-AS1 (VCAN antisense RNA 1; minus strand). Cytogenetic location: 5q14.3.
Variant type: single nucleotide variant.
Coding change: c.7016C>G on transcript NM_004385.5 (MANE Select); coding-DNA position 7016, C replaced by G.
Protein change: p.Thr2339Ser; replaces threonine 2339 with serine.
Molecular consequence: missense variant. On other transcripts: intron variant (2).
Genome position (GRCh38, 1-based): chr5:83,540,019, C>G. VCF-style: chr5-83540019-C-G. GRCh37 (hg19) VCF-style: chr5-82835838-C-G.
Other names: c.4004-5518C>G (NM_001164098.2); c.1043-5518C>G (NM_001126336.3); c.4055C>G, p.Thr1352Ser (NM_001164097.2); short protein forms T2339S, T1352S.
Identifiers: ClinVar variation 2125946 (VCV002125946.4), dbSNP rs1412475870, ClinGen allele CA360313839.